The following is an entry in ClinVar:

ClinVar aggregate classification (germline): Uncertain significance (1 of 4 stars; one submission).

Submission:

CeGaT Center for Human Genetics Tuebingen
Classification: Uncertain significance. Last evaluated: 2024-05-01. Review status: criteria provided, single submitter. Criteria: CeGaT Center For Human Genetics Tuebingen Variant Classification Criteria Version 2. Collection method: clinical testing. Allele origin: germline. Affected: yes. Observed: 1 variant allele.
Comment: ACSF3: PM2, BP4

NM_001243279.3(ACSF3):c.556C>G (p.Pro186Ala)

Gene: ACSF3 (acyl-CoA synthetase family member 3; plus strand). Cytogenetic location: 16q24.3.
Variant type: single nucleotide variant.
Coding change: c.556C>G on transcript NM_001243279.3 (MANE Select); coding-DNA position 556, C replaced by G.
Protein change: p.Pro186Ala; replaces proline 186 with alanine.
Molecular consequence: missense variant. On other transcripts: non-coding transcript variant (3), intron variant (1).
Genome position (GRCh38, 1-based): chr16:89,101,237, C>G. VCF-style: chr16-89101237-C-G. GRCh37 (hg19) VCF-style: chr16-89167645-C-G.
Other names: c.556C>G, p.Pro186Ala (NM_174917.5, NM_001127214.4); c.-129-1367C>G (NM_001284316.2); short protein forms P186A.
Identifiers: ClinVar variation 3239458 (VCV003239458.19), dbSNP rs1476596733.